The following is an entry in ClinVar:

NM_020964.3(EPG5):c.2100-7C>T

Gene: EPG5 (ectopic P-granules 5 autophagy tethering factor; minus strand). Cytogenetic location: 18q21.1.
Variant type: single nucleotide variant.
Coding change: c.2100-7C>T on transcript NM_020964.3 (MANE Select); 7 bases into the intron before coding-DNA position 2100, C replaced by T.
Molecular consequence: intron variant.
Genome position (GRCh38, 1-based): chr18:45,934,973, G>A on the plus strand (C>T on the coding strand, the complement: EPG5 is on the minus strand). VCF-style: chr18-45934973-G-A. GRCh37 (hg19) VCF-style: chr18-43514939-G-A.
Other names: c.2100-7C>T (LRG_1234t1).
Identifiers: ClinVar variation 466240 (VCV000466240.15), dbSNP rs191189597, ClinGen allele CA8949510.

ClinVar aggregate classification (germline): Likely benign. Review status: criteria provided, multiple submitters, no conflicts (2 of 4 stars). 4 submissions from 4 submitters: Likely benign (3). 1 of the submissions does not count toward it. Last evaluated 2026-01-18.

Conditions:
Vici syndrome (VICIS). Identifiers: Orphanet 1493, MedGen C1855772, MONDO:0009452, OMIM 242840.
EPG5-related disorder. Also called: EPG5-related condition. Identifiers: MedGen CN381528.

Allele frequency attached by ClinVar (database versions not stated): gnomAD 0.00012 and 0.00013; TOPMed 0.00014; ExAC 0.00016; gnomAD exomes 0.00016 and 0.00024; ESP Exome Variant Server 0.00033.
gnomAD v4.1: 384 of 1,601,828 alleles (0.024%); highest among the groups gnomAD compares: Admixed American, 0.03%; no homozygotes.

Submissions (4):

Labcorp Genetics (formerly Invitae), Labcorp
Classification: Likely benign for Vici syndrome. Last evaluated: 2026-01-18. Review status: criteria provided, single submitter. Criteria: Invitae Variant Classification Sherloc (09022015). Collection method: clinical testing. Allele origin: germline.

Blueprint Genetics
Classification: Likely benign. Last evaluated: 2024-11-25. Review status: criteria provided, single submitter. Criteria: ACMG Guidelines, 2015. Collection method: clinical testing. Allele origin: germline.

GeneDx
Classification: Likely benign. Last evaluated: 2017-11-13. Review status: criteria provided, single submitter. Criteria: GeneDx Variant Classification (06012015). Collection method: clinical testing. Allele origin: germline. Affected: yes.
Comment: This variant is considered likely benign or benign based on one or more of the following criteria: it is a conservative change, it occurs at a poorly conserved position in the protein, it is predicted to be benign by multiple in silico algorithms, and/or has population frequency not consistent with disease.

PreventionGenetics, part of Exact Sciences
Classification: Likely benign for EPG5-related condition. Last evaluated: 2020-02-05. Review status: no assertion criteria provided. Collection method: clinical testing. Allele origin: germline. Not counted in ClinVar's aggregate classification.
Comment: This variant is classified as likely benign based on ACMG/AMP sequence variant interpretation guidelines (Richards et al. 2015 PMID: 25741868, with internal and published modifications).